The following is an entry in ClinVar:

ClinVar aggregate classification (germline): Benign. Review status: criteria provided, multiple submitters, no conflicts (2 of 4 stars). 2 submissions from 2 submitters: Benign (2). Last evaluated 2018-01-12.

Conditions:
Neonatal diabetes mellitus with congenital hypothyroidism. Also called: NDH SYNDROME. Identifiers: Orphanet 79118, MedGen C1857775, MONDO:0012436, OMIM 610199.

Allele frequency attached by ClinVar (database versions not stated): gnomAD 0.00612 and 0.00658; TOPMed 0.00699; 1000 Genomes Project 0.00819; 1000 Genomes Project 30x 0.00906.

Submissions (2):

Illumina Laboratory Services, Illumina
Classification: Benign for Neonatal diabetes mellitus with congenital hypothyroidism. Last evaluated: 2018-01-12. Review status: criteria provided, single submitter. Criteria: ICSL Variant Classification Criteria 13 December 2019. Collection method: clinical testing. Allele origin: germline.
Comment: This variant was observed in the ICSL laboratory as part of a predisposition screen in an ostensibly healthy population. It had not been previously curated by ICSL or reported in the Human Gene Mutation Database (HGMD: prior to June 1st, 2018), and was therefore a candidate for classification through an automated scoring system. Utilizing variant allele frequency, disease prevalence and penetrance estimates, and inheritance mode, an automated score was calculated to assess if this variant is too frequent to cause the disease. Based on the score and internal cut-off values, a variant classified as benign is not then subjected to further curation. The score for this variant resulted in a classification of benign for this disease.

Breakthrough Genomics
Classification: Benign. Review status: criteria provided, single submitter. Criteria: ACMG Guidelines, 2015. Collection method: not provided. Allele origin: germline. Inheritance: Autosomal recessive inheritance. Affected: yes.

NM_001042413.2(GLIS3):c.*1232T>G

Gene: GLIS3 (GLIS family zinc finger 3; minus strand). Cytogenetic location: 9p24.2.
Variant type: single nucleotide variant.
Coding change: c.*1232T>G on transcript NM_001042413.2 (MANE Select); 1232 bases downstream of the stop codon, T replaced by G.
Molecular consequence: 3 prime UTR variant.
Genome position (GRCh38, 1-based): chr9:3,827,040, A>C on the plus strand (T>G on the coding strand, the complement: GLIS3 is on the minus strand). VCF-style: chr9-3827040-A-C. GRCh37 (hg19) VCF-style: chr9-3827040-A-C.
Other names: c.*1232T>G (NM_152629.4).
Identifiers: ClinVar variation 912784 (VCV000912784.5), dbSNP rs114506692, ClinGen allele CA188256491.